The following is an entry in ClinVar:

NM_001252024.2(TRPM1):c.916C>A (p.Arg306Ser)

Gene: TRPM1 (transient receptor potential cation channel subfamily M member 1; minus strand). Cytogenetic location: 15q13.3.
Variant type: single nucleotide variant.
Coding change: c.916C>A on transcript NM_001252024.2 (MANE Select); coding-DNA position 916, C replaced by A.
Protein change: p.Arg306Ser; replaces arginine 306 with serine.
Molecular consequence: missense variant.
Genome position (GRCh38, 1-based): chr15:31,063,167, G>T on the plus strand (C>A on the coding strand, the complement: TRPM1 is on the minus strand). VCF-style: chr15-31063167-G-T. GRCh37 (hg19) VCF-style: chr15-31355370-G-T.
Other names: c.967C>A, p.Arg323Ser (NM_001252020.2); c.850C>A, p.Arg284Ser (NM_002420.6); short protein forms R284S, R306S, R323S.
Identifiers: ClinVar variation 1009883 (VCV001009883.8), dbSNP rs755019950, ClinGen allele CA391528348.
Genomic context (GRCh38, chr15:31,063,167, plus strand): 5'-AGAAATCCTACCCGCCTTCTTCACAGTACTTGTGCGCAAAGGACAGGATGTCCGAGGCAC[G>T]TCCGCTGCCATCACAAATCACCACAGGGATGGGAGGCTCTTCTTGCAGGTATTCCAAGAC-3'
Protein context (NP_001238953.1, residues 296-316): IPVVICDGSG[Arg306Ser]ASDILSFAHK

ClinVar aggregate classification (germline): Uncertain significance (1 of 4 stars; one submission).

Allele frequency attached by ClinVar (database versions not stated): gnomAD 0.00001; TOPMed 0.00001.
gnomAD v4.1: 1 of 1,614,066 alleles (0.000062%); highest among the groups gnomAD compares: Non-Finnish European, 0.000085%; no homozygotes.

Submission:

Labcorp Genetics (formerly Invitae), Labcorp
Classification: Uncertain significance. Last evaluated: 2020-11-21. Review status: criteria provided, single submitter. Criteria: Invitae Variant Classification Sherloc (09022015). Collection method: clinical testing. Allele origin: germline.
Comment: This sequence change replaces arginine with serine at codon 284 of the TRPM1 protein (p.Arg284Ser). The arginine residue is highly conserved and there is a moderate physicochemical difference between arginine and serine. This variant has not been reported in the literature in individuals with TRPM1-related conditions. This variant is not present in population databases (ExAC no frequency). In summary, the available evidence is currently insufficient to determine the role of this variant in disease. Therefore, it has been classified as a Variant of Uncertain Significance. Algorithms developed to predict the effect of missense changes on protein structure and function (SIFT, PolyPhen-2, Align-GVGD) all suggest that this variant is likely to be disruptive, but these predictions have not been confirmed by published functional studies and their clinical significance is uncertain.